The following is an entry in ClinVar:

ClinVar aggregate classification (germline): Uncertain significance (1 of 4 stars; one submission).

Conditions:
Tatton-Brown-Rahman overgrowth syndrome. Also called: Tall stature-intellectual disability-facial dysmorphism syndrome; Tatton-Brown-Rahman syndrome. Identifiers: Orphanet 404443, MedGen C4014545, MONDO:0014382, OMIM 615879.

Allele frequency attached by ClinVar (database versions not stated): gnomAD exomes below 0.00001.
gnomAD v4.1: 1 of 1,613,838 alleles (0.000062%); highest among the groups gnomAD compares: Admixed American, 0.0017%; no homozygotes.

Submission:

Labcorp Genetics (formerly Invitae), Labcorp
Classification: Uncertain significance for Tatton-Brown-Rahman overgrowth syndrome. Last evaluated: 2024-01-04. Review status: criteria provided, single submitter. Criteria: Invitae Variant Classification Sherloc (09022015). Collection method: clinical testing. Allele origin: germline.
Comment: This sequence change replaces phenylalanine, which is neutral and non-polar, with leucine, which is neutral and non-polar, at codon 336 of the DNMT3A protein (p.Phe336Leu). This variant is not present in population databases (gnomAD no frequency). This variant has not been reported in the literature in individuals affected with DNMT3A-related conditions. Advanced modeling of protein sequence and biophysical properties (such as structural, functional, and spatial information, amino acid conservation, physicochemical variation, residue mobility, and thermodynamic stability) performed at Invitae indicates that this missense variant is not expected to disrupt DNMT3A protein function with a negative predictive value of 80%. In summary, the available evidence is currently insufficient to determine the role of this variant in disease. Therefore, it has been classified as a Variant of Uncertain Significance.

NM_022552.5(DNMT3A):c.1006T>C (p.Phe336Leu)

Gene: DNMT3A (DNA methyltransferase 3 alpha; minus strand). Cytogenetic location: 2p23.3.
Variant type: single nucleotide variant.
Coding change: c.1006T>C on transcript NM_022552.5 (MANE Select); coding-DNA position 1006, T replaced by C.
Protein change: p.Phe336Leu; replaces phenylalanine 336 with leucine.
Molecular consequence: missense variant. On other transcripts: non-coding transcript variant (1).
Genome position (GRCh38, 1-based): chr2:25,247,599, A>G on the plus strand (T>C on the coding strand, the complement: DNMT3A is on the minus strand). VCF-style: chr2-25247599-A-G. GRCh37 (hg19) VCF-style: chr2-25470468-A-G.
Other names: c.550T>C, p.Phe184Leu (NM_001320893.1); c.337T>C, p.Phe113Leu (NM_001375819.1); c.439T>C, p.Phe147Leu (NM_153759.3); c.1006T>C, p.Phe336Leu (NM_175629.2); short protein forms F113L, F147L, F184L, F336L.
Identifiers: ClinVar variation 2701840 (VCV002701840.3), dbSNP rs2465557740, ClinGen allele CA346074487.